The following is an entry in ClinVar:

ClinVar aggregate classification (germline): Uncertain significance (1 of 4 stars; one submission).

Conditions:
Optic atrophy 3 (OPA3). Also called: OPTIC ATROPHY 3, AUTOSOMAL DOMINANT; Optic atrophy, cataract, and neurologic disorder; Optic atrophy 3 with cataract. Identifiers: Orphanet 67036, MedGen C1833809, MONDO:0008133, OMIM 165300.
3-Methylglutaconic aciduria type 3 (MGCA3). Also called: OPA3, AUTOSOMAL RECESSIVE; OPTIC ATROPHY 3, AUTOSOMAL RECESSIVE; OPA3-Related 3-Methylglutaconic Aciduria; Costeff Syndrome. Identifiers: Orphanet 67047, MedGen C0574084, MONDO:0009787, OMIM 258501.

Submission:

Labcorp Genetics (formerly Invitae), Labcorp
Classification: Uncertain significance for 3-Methylglutaconic aciduria type 3; Optic atrophy 3. Last evaluated: 2022-01-11. Review status: criteria provided, single submitter. Criteria: Invitae Variant Classification Sherloc (09022015). Collection method: clinical testing. Allele origin: germline.
Comment: In summary, the available evidence is currently insufficient to determine the role of this variant in disease. Therefore, it has been classified as a Variant of Uncertain Significance. Algorithms developed to predict the effect of missense changes on protein structure and function (SIFT, PolyPhen-2, Align-GVGD) all suggest that this variant is likely to be tolerated. This variant has not been reported in the literature in individuals affected with OPA3-related conditions. This variant is not present in population databases (gnomAD no frequency). This sequence change replaces tryptophan, which is neutral and slightly polar, with glycine, which is neutral and non-polar, at codon 102 of the OPA3 protein (p.Trp102Gly).

NM_025136.4(OPA3):c.304T>G (p.Trp102Gly)

Genes: OPA3 (outer mitochondrial membrane lipid metabolism regulator OPA3; minus strand), OPA3-RTN2 (OPA3-RTN2 readthrough; minus strand). Cytogenetic location: 19q13.32.
Variant type: single nucleotide variant.
Coding change: c.304T>G on transcript NM_025136.4 (MANE Select); coding-DNA position 304, T replaced by G.
Protein change: p.Trp102Gly; replaces tryptophan 102 with glycine.
Molecular consequence: missense variant. On other transcripts: intron variant (1).
Genome position (GRCh38, 1-based): chr19:45,553,750, A>C on the plus strand (T>G on the coding strand, the complement: OPA3 is on the minus strand). VCF-style: chr19-45553750-A-C. GRCh37 (hg19) VCF-style: chr19-46057008-A-C.
Other names: c.143-24294T>G (NM_001017989.3); short protein forms W102G.
Identifiers: ClinVar variation 2080070 (VCV002080070.4), dbSNP rs1437263549, ClinGen allele CA406370845.
Genomic context (GRCh38, chr19:45,553,750, plus strand): 5'-GCGCGTTCCAGGCAGCACGCTGCTCCTCCTCCTTGTGGCGCTGCTGCGCCTGGTGGCGCC[A>C]GTACTCCAGCACTAGGCAGCCGCCGCCCACGATGAAGATGGTGGCTTCGCCCAGCAGCTC-3'
Protein context (NP_079412.1, residues 92-112): VGGGCLVLEY[Trp102Gly]RHQAQQRHKE